The following is an entry in ClinVar:

NM_153460.4(IL17RC):c.2023G>A (p.Gly675Arg)

Genes: IL17RC (interleukin 17 receptor C; plus strand), LOC129936144 (ATAC-STARR-seq lymphoblastoid silent region 14051; plus strand). Cytogenetic location: 3p25.3.
Variant type: single nucleotide variant.
Coding change: c.2023G>A on transcript NM_153460.4 (MANE Select); coding-DNA position 2023, G replaced by A.
Protein change: p.Gly675Arg; replaces glycine 675 with arginine.
Molecular consequence: missense variant. On other transcripts: non-coding transcript variant (1).
Genome position (GRCh38, 1-based): chr3:9,933,453, G>A. VCF-style: chr3-9933453-G-A. GRCh37 (hg19) VCF-style: chr3-9975137-G-A.
Other names: c.1984G>A, p.Gly662Arg (NM_001203263.2); c.1933G>A, p.Gly645Arg (NM_001203264.2); c.1927G>A, p.Gly643Arg (NM_001203265.2); c.1945G>A, p.Gly649Arg (NM_001367278.1); c.1864G>A, p.Gly622Arg (NM_001367279.1); c.1939G>A, p.Gly647Arg (NM_001367280.1); c.1888G>A, p.Gly630Arg (NM_001410711.1); c.1978G>A, p.Gly660Arg (NM_032732.6); and 1 more; short protein forms G622R, G643R, G746R, G647R, G662R, G645R, G660R, G630R.
Identifiers: ClinVar variation 2175739 (VCV002175739.4), dbSNP rs2084993407, ClinGen allele CA351709287.

ClinVar aggregate classification (germline): Uncertain significance (1 of 4 stars; one submission).

Conditions:
Candidiasis, familial, 9 (CANDF9). Identifiers: Orphanet 1334, MedGen C4225324, MONDO:0014642, OMIM 616445.

Allele frequency attached by ClinVar (database versions not stated): gnomAD exomes below 0.00001.
gnomAD v4.1: 6 of 1,613,046 alleles (0.00037%); highest among the groups gnomAD compares: South Asian, 0.0066%; no homozygotes.

Submission:

Labcorp Genetics (formerly Invitae), Labcorp
Classification: Uncertain significance for Candidiasis, familial, 9. Last evaluated: 2022-07-23. Review status: criteria provided, single submitter. Criteria: Invitae Variant Classification Sherloc (09022015). Collection method: clinical testing. Allele origin: germline.
Comment: In summary, the available evidence is currently insufficient to determine the role of this variant in disease. Therefore, it has been classified as a Variant of Uncertain Significance. Algorithms developed to predict the effect of sequence changes on RNA splicing suggest that this variant may create or strengthen a splice site. Algorithms developed to predict the effect of missense changes on protein structure and function output the following: SIFT: "Tolerated"; PolyPhen-2: "Benign"; Align-GVGD: "Class C0". The arginine amino acid residue is found in multiple mammalian species, which suggests that this missense change does not adversely affect protein function. This variant has not been reported in the literature in individuals affected with IL17RC-related conditions. This variant is not present in population databases (gnomAD no frequency). This sequence change replaces glycine, which is neutral and non-polar, with arginine, which is basic and polar, at codon 746 of the IL17RC protein (p.Gly746Arg).